The following is an entry in ClinVar:

NM_000053.4(ATP7B):c.325C>T (p.Leu109=)

Gene: ATP7B (ATPase copper transporting beta; minus strand). Cytogenetic location: 13q14.3.
Variant type: single nucleotide variant.
Coding change: c.325C>T on transcript NM_000053.4 (MANE Select); coding-DNA position 325, C replaced by T.
Protein change: p.Leu109=; no amino-acid change (leucine 109 retained).
Molecular consequence: synonymous variant.
Genome position (GRCh38, 1-based): chr13:51,974,895, G>A on the plus strand (C>T on the coding strand, the complement: ATP7B is on the minus strand). VCF-style: chr13-51974895-G-A. GRCh37 (hg19) VCF-style: chr13-52549031-G-A.
Other names: c.325C>T, p.Leu109= (NM_001005918.3, NM_001243182.2, NM_001330578.2 and 1 more transcripts).
Identifiers: ClinVar variation 508380 (VCV000508380.23), dbSNP rs751920801, ClinGen allele CA6989584.
Genomic context (GRCh38, chr13:51,974,895, plus strand): 5'-TTCCTTCTGCAATGCTGGCCTCGAAGCCCATGTCCCCAATTTGATGGCAAACCTGTTGCA[G>A]GCACACAACCGATGGCACATATTTCACAGTGGCACTGCCTTGTTCCAGGGAAACCTTCAT-3'
Protein context (NP_000044.2, residues 99-119): TVKYVPSVVC[Leu109=]QQVCHQIGDM

ClinVar aggregate classification (germline): Conflicting classifications of pathogenicity. Review status: criteria provided, conflicting classifications (1 of 4 stars). 9 submissions from 9 submitters: Uncertain significance (1); Likely benign (6). 2 of the submissions do not count toward it. Last evaluated 2026-01-28.

Conditions:
Inborn genetic diseases. Identifiers: MedGen C0950123, MeSH D030342.
Wilson disease (WND). Also called: Wilson's disease. Identifiers: Orphanet 905, MedGen C0019202, MONDO:0010200, OMIM 277900. Disease mechanism: loss of function.

Allele frequency attached by ClinVar (database versions not stated): gnomAD 0.00005 and 0.00006; gnomAD exomes 0.00005 and 0.00016; ExAC 0.00002; TOPMed 0.00004.
gnomAD v4.1: 237 of 1,614,114 alleles (0.015%); highest among the groups gnomAD compares: Non-Finnish European, 0.02%; no homozygotes.

Submissions (9):

Labcorp Genetics (formerly Invitae), Labcorp
Classification: Likely benign for Wilson disease. Last evaluated: 2026-01-28. Review status: criteria provided, single submitter. Criteria: Invitae Variant Classification Sherloc (09022015). Collection method: clinical testing. Allele origin: germline.

All of Us Research Program, National Institutes of Health
Classification: Likely benign for Wilson disease. Last evaluated: 2024-02-05. Review status: criteria provided, single submitter. Criteria: ACMG Guidelines, 2015. Collection method: clinical testing. Allele origin: germline. Inheritance: Autosomal recessive inheritance. Observed: 17 variant alleles, 17 heterozygotes.
Comment: This study involves interpretation of variants in research participants for the purpose of population health screening. Participant phenotype was not available at the time of variant classification. Additional details can be found in publication PMID: 35346344, PMCID: PMC8962531

Color Diagnostics, LLC DBA Color Health
Classification: Likely benign for Wilson disease. Last evaluated: 2023-02-22. Review status: criteria provided, single submitter. Criteria: ACMG Guidelines, 2015. Collection method: clinical testing. Allele origin: germline.

Ambry Genetics
Classification: Likely benign for Inborn genetic diseases. Last evaluated: 2022-07-23. Review status: criteria provided, single submitter. Criteria: Ambry Variant Classification Scheme 2023. Collection method: clinical testing. Allele origin: germline.

Genome-Nilou Lab
Classification: Likely benign for Wilson disease. Last evaluated: 2021-08-10. Review status: criteria provided, single submitter. Criteria: ACMG Guidelines, 2015. Collection method: clinical testing. Allele origin: germline. Affected: no.

Illumina Laboratory Services, Illumina
Classification: Uncertain significance for Wilson disease. Last evaluated: 2018-01-13. Review status: criteria provided, single submitter. Criteria: ICSL Variant Classification Criteria 13 December 2019. Collection method: clinical testing. Allele origin: germline.

GeneDx
Classification: Likely benign. Last evaluated: 2017-04-07. Review status: criteria provided, single submitter. Criteria: GeneDx Variant Classification (06012015). Collection method: clinical testing. Allele origin: germline. Affected: yes.
Comment: This variant is considered likely benign or benign based on one or more of the following criteria: it is a conservative change, it occurs at a poorly conserved position in the protein, it is predicted to be benign by multiple in silico algorithms, and/or has population frequency not consistent with disease.

Clinical Genetics DNA and cytogenetics Diagnostics Lab, Erasmus MC, Erasmus Medical Center
Classification: Likely benign. Review status: no assertion criteria provided. Collection method: clinical testing. Allele origin: germline. Affected: yes. Study: VKGL Data-share Consensus. Not counted in ClinVar's aggregate classification.

Diagnostic Laboratory, Department of Genetics, University Medical Center Groningen
Classification: Likely benign for Wilson disease. Review status: no assertion criteria provided. Collection method: clinical testing. Allele origin: germline. Affected: yes. Study: VKGL Data-share Consensus. Not counted in ClinVar's aggregate classification.